The following is an entry in ClinVar:

ClinVar aggregate classification (germline): Benign (1 of 4 stars; one submission).

Conditions:
Familial cancer of breast. Also called: hereditary breast carcinoma; Hereditary breast cancer; BREAST CANCER, FAMILIAL. Identifiers: Orphanet 227535, MedGen C0346153, MONDO:0016419, OMIM 114480. Disease mechanism: loss of function.

gnomAD v4.1: 1 of 1,614,174 alleles (0.000062%); highest among the groups gnomAD compares: South Asian, 0.0011%; no homozygotes.

Submission:

Myriad Genetics, Inc.
Classification: Benign for Familial cancer of breast. Last evaluated: 2024-09-03. Review status: criteria provided, single submitter. Criteria: Myriad Autosomal Dominant, Autosomal Recessive and X-Linked Classification Criteria (2023). Collection method: clinical testing. Allele origin: unknown.
Comment: This variant is considered benign. This variant is a silent/synonymous amino acid change and it is not expected to impact splicing.

NM_032043.3(BRIP1):c.2007A>G (p.Thr669=)

Gene: BRIP1 (BRCA1 interacting DNA helicase 1; minus strand). Cytogenetic location: 17q23.2.
Variant type: single nucleotide variant.
Coding change: c.2007A>G on transcript NM_032043.3 (MANE Select); coding-DNA position 2007, A replaced by G.
Protein change: p.Thr669=; no amino-acid change (threonine 669 retained).
Molecular consequence: synonymous variant.
Genome position (GRCh38, 1-based): chr17:61,776,491, T>C on the plus strand (A>G on the coding strand, the complement: BRIP1 is on the minus strand). VCF-style: chr17-61776491-T-C. GRCh37 (hg19) VCF-style: chr17-59853852-T-C.
Identifiers: ClinVar variation 3378469 (VCV003378469.1).
Genomic context (GRCh38, chr17:61,776,491, plus strand): 5'-TTGGCTCACAGTCTGGCACACAGATAACAAAAGTGCTCCCACTTCATCTTGGAACTCAAA[T>C]GTTTCAGTATTCTGGAAGGTAGCACAGAGATTCCGACCCTTGGGGCCTGACCCAATGGTA-3'
Protein context (NP_114432.2, residues 659-679): NLCATFQNTE[Thr669=]FEFQDEVGAL